The following is an entry in ClinVar:

NM_004444.5(EPHB4):c.560T>C (p.Leu187Pro)

Gene: EPHB4 (EPH receptor B4; minus strand). Cytogenetic location: 7q22.1.
Variant type: single nucleotide variant.
Coding change: c.560T>C on transcript NM_004444.5 (MANE Select); coding-DNA position 560, T replaced by C.
Protein change: p.Leu187Pro; replaces leucine 187 with proline.
Molecular consequence: missense variant.
Genome position (GRCh38, 1-based): chr7:100,822,519, A>G on the plus strand (T>C on the coding strand, the complement: EPHB4 is on the minus strand). VCF-style: chr7-100822519-A-G. GRCh37 (hg19) VCF-style: chr7-100420141-A-G.
Other names: short protein forms L187P.
Identifiers: ClinVar variation 691541 (VCV000691541.4), dbSNP rs1584666053, ClinGen allele CA368581365.
Genomic context (GRCh38, chr7:100,822,519, plus strand): 5'-AATCGAGTCAGGTTCACAGTCAGCTGGGCGCACTTTTTGTAGAAGAGGTGCAGGGATAGC[A>G]GGGCCATGCAGGCACCCTGGTCCTGGAAGGCCAGGTAGAAGCCAGCCTTGCTGAGCGGTC-3'
Protein context (NP_004435.3, residues 177-197): AFQDQGACMA[Leu187Pro]LSLHLFYKKC

ClinVar aggregate classification (germline): Uncertain significance. Review status: criteria provided, multiple submitters, no conflicts (2 of 4 stars). 2 submissions from 2 submitters: Uncertain significance (2). Last evaluated 2023-08-07.

Conditions:
Capillary malformation-arteriovenous malformation 2 (CMAVM2). Identifiers: Orphanet 693912, MedGen C4748670, MONDO:0020785, OMIM 618196.

Submissions (2):

Labcorp Genetics (formerly Invitae), Labcorp
Classification: Uncertain significance. Last evaluated: 2023-08-07. Review status: criteria provided, single submitter. Criteria: Invitae Variant Classification Sherloc (09022015). Collection method: clinical testing. Allele origin: germline.
Comment: Advanced modeling of protein sequence and biophysical properties (such as structural, functional, and spatial information, amino acid conservation, physicochemical variation, residue mobility, and thermodynamic stability) performed at Invitae indicates that this missense variant is expected to disrupt EPHB4 protein function. ClinVar contains an entry for this variant (Variation ID: 691541). This missense change has been observed in individual(s) with clinical features of capillary malformation-arteriovenous malformation (PMID: 28687708; Invitae). This variant is not present in population databases (gnomAD no frequency). This sequence change replaces leucine, which is neutral and non-polar, with proline, which is neutral and non-polar, at codon 187 of the EPHB4 protein (p.Leu187Pro). In summary, the available evidence is currently insufficient to determine the role of this variant in disease. Therefore, it has been classified as a Variant of Uncertain Significance.

SIB Swiss Institute of Bioinformatics
Classification: Uncertain significance for Capillary malformation-arteriovenous malformation 2. Last evaluated: 2019-03-29. Review status: criteria provided, single submitter. Criteria: ACMG Guidelines, 2015. Collection method: curation. Allele origin: unknown.
Comment: This variant is interpreted as Uncertain significance for Capillary malformation-arteriovenous malformation 2. The following ACMG Tag(s) were applied: PP3: Multiple lines of computational evidence support a deleterious effect on the gene or gene product. PM2: Absent from controls (or at extremely low frequency if recessive) in Exome Sequencing Project, 1000 Genomes Project, or Exome Aggregation Consortium.

Literature cited by the submitters: PubMed 28687708 (cited by Labcorp Genetics (formerly Invitae), Labcorp and SIB Swiss Institute of Bioinformatics).